The following is an entry in ClinVar:

ClinVar aggregate classification (germline): Pathogenic (0 of 4 stars; one submission).

Conditions:
Primary hyperoxaluria, type I (HP1). Also called: GLYCOLIC ACIDURIA; HEPATIC AGT DEFICIENCY; OXALOSIS I; Primary hyperoxaluria type 1. Identifiers: Orphanet 416, Orphanet 93598, MedGen C0268164, MONDO:0009823, OMIM 259900. Disease mechanism: loss of function.

Submission:

Clinical Biochemistry Laboratory, Health Services Laboratory
Classification: Pathogenic for Primary hyperoxaluria, type I. Last evaluated: 2014-11-27. Review status: no assertion criteria provided. Collection method: research. Allele origin: germline. Affected: yes.
Comment: Major deletion including HDAC4

Literature cited by the submitters: PubMed 22821680.

NC_000002.12:g.(?_239048168)_(240879119_?)del

Genes: CAPN10 (calpain 10; plus strand), GPR35 (G protein-coupled receptor 35; plus strand), COPS9 (COP9 signalosome subunit 9; minus strand), OTOS (otospiralin; minus strand), ANKMY1 (ankyrin repeat and MYND domain containing 1; minus strand) and 81 more. Cytogenetic location: 2q37.3.
Variant type: Deletion.
Identifiers: ClinVar variation 204217 (VCV000204217.2).